The following is an entry in ClinVar:

NM_000478.6(ALPL):c.388G>A (p.Val130Ile)

Gene: ALPL (alkaline phosphatase, biomineralization associated; plus strand). Cytogenetic location: 1p36.12.
Variant type: single nucleotide variant.
Coding change: c.388G>A on transcript NM_000478.6 (MANE Select); coding-DNA position 388, G replaced by A.
Protein change: p.Val130Ile; replaces valine 130 with isoleucine.
Molecular consequence: missense variant.
Genome position (GRCh38, 1-based): chr1:21,563,200, G>A. VCF-style: chr1-21563200-G-A. GRCh37 (hg19) VCF-style: chr1-21889693-G-A.
Other names: c.223G>A, p.Val75Ile (NM_001127501.4); c.157G>A, p.Val53Ile (NM_001177520.3); c.388G>A, p.Val130Ile (NM_001369803.2, NM_001369804.2, NM_001369805.2); short protein forms V53I, V75I, V130I.
Identifiers: ClinVar variation 2820454 (VCV002820454.3), dbSNP rs753929700, ClinGen allele CA666472.

ClinVar aggregate classification (germline): Uncertain significance (1 of 4 stars; one submission).

Allele frequency attached by ClinVar (database versions not stated): ExAC 0.00002.
gnomAD v4.1: 4 of 1,613,862 alleles (0.00025%); highest among the groups gnomAD compares: East Asian, 0.0022%; no homozygotes.

Submission:

Labcorp Genetics (formerly Invitae), Labcorp
Classification: Uncertain significance. Last evaluated: 2023-09-08. Review status: criteria provided, single submitter. Criteria: Invitae Variant Classification Sherloc (09022015). Collection method: clinical testing. Allele origin: germline.
Comment: Advanced modeling of protein sequence and biophysical properties (such as structural, functional, and spatial information, amino acid conservation, physicochemical variation, residue mobility, and thermodynamic stability) performed at Invitae indicates that this missense variant is expected to disrupt ALPL protein function. In summary, the available evidence is currently insufficient to determine the role of this variant in disease. Therefore, it has been classified as a Variant of Uncertain Significance. This variant has not been reported in the literature in individuals affected with ALPL-related conditions. This variant is present in population databases (rs753929700, gnomAD 0.007%). This sequence change replaces valine, which is neutral and non-polar, with isoleucine, which is neutral and non-polar, at codon 130 of the ALPL protein (p.Val130Ile).